The following is an entry in ClinVar:

NM_198535.3(ZNF699):c.144G>A (p.Met48Ile)

Gene: ZNF699 (zinc finger protein 699; minus strand). Cytogenetic location: 19p13.2.
Variant type: single nucleotide variant.
Coding change: c.144G>A on transcript NM_198535.3 (MANE Select); coding-DNA position 144, G replaced by A.
Protein change: p.Met48Ile; replaces methionine 48 with isoleucine.
Molecular consequence: missense variant.
Genome position (GRCh38, 1-based): chr19:9,302,409, C>T on the plus strand (G>A on the coding strand, the complement: ZNF699 is on the minus strand). VCF-style: chr19-9302409-C-T. GRCh37 (hg19) VCF-style: chr19-9413085-C-T.
Other names: short protein forms M48I.
Identifiers: ClinVar variation 2505255 (VCV002505255.1), dbSNP rs2513397095, ClinGen allele CA403819386.

ClinVar aggregate classification (germline): Uncertain significance (1 of 4 stars; one submission).

Allele frequency attached by ClinVar (database versions not stated): gnomAD exomes below 0.00001.
gnomAD v4.1: 1 of 1,613,926 alleles (0.000062%); highest among the groups gnomAD compares: Non-Finnish European, 0.000085%; no homozygotes.

Submission:

Greenwood Genetic Center Diagnostic Laboratories, Greenwood Genetic Center
Classification: Uncertain significance. Last evaluated: 2023-01-31. Review status: criteria provided, single submitter. Criteria: ACMG Guidelines, 2015. Collection method: clinical testing. Allele origin: germline. Affected: yes.
Comment: PM2